The following is an entry in ClinVar:

ClinVar aggregate classification (germline): Uncertain significance. Review status: criteria provided, multiple submitters, no conflicts (2 of 4 stars). 2 submissions from 2 submitters: Uncertain significance (2). Last evaluated 2023-06-26.

Conditions:
Familial thoracic aortic aneurysm and aortic dissection (TAAD). Also called: Thoracic aortic aneurysms and dissections. Identifiers: Orphanet 91387, MedGen C4707243, MONDO:0019625.

Submissions (2):

All of Us Research Program, National Institutes of Health
Classification: Uncertain significance for Familial thoracic aortic aneurysm and aortic dissection. Last evaluated: 2023-06-26. Review status: criteria provided, single submitter. Criteria: ACMG Guidelines, 2015. Collection method: clinical testing. Allele origin: germline. Inheritance: Autosomal dominant inheritance. Observed: 1 variant allele, 1 heterozygote.
Comment: This missense variant replaces alanine with glycine at codon 26 of the MYH11 protein. Computational prediction is inconclusive regarding the impact of this variant on protein structure and function (internally defined REVEL score threshold 0.5 < inconclusive < 0.7, PMID: 27666373). To our knowledge, functional studies have not been reported for this variant. This variant has not been reported in individuals affected with MYH11-related disorders in the literature. This variant has not been identified in the general population by the Genome Aggregation Database (gnomAD). The available evidence is insufficient to determine the role of this variant in disease conclusively. Therefore, this variant is classified as a Variant of Uncertain Significance.

This study involves interpretation of variants in research participants for the purpose of population health screening. Participant phenotype was not available at the time of variant classification. Additional details can be found in publication PMID: 35346344, PMCID: PMC8962531

Color Diagnostics, LLC DBA Color Health
Classification: Uncertain significance for Familial thoracic aortic aneurysm and aortic dissection. Last evaluated: 2023-06-21. Review status: criteria provided, single submitter. Criteria: ACMG Guidelines, 2015. Collection method: clinical testing. Allele origin: germline.
Comment: This missense variant replaces alanine with glycine at codon 26 of the MYH11 protein. Computational prediction is inconclusive regarding the impact of this variant on protein structure and function (internally defined REVEL score threshold 0.5 < inconclusive < 0.7, PMID: 27666373). To our knowledge, functional studies have not been reported for this variant. This variant has not been reported in individuals affected with MYH11-related disorders in the literature. This variant has not been identified in the general population by the Genome Aggregation Database (gnomAD). The available evidence is insufficient to determine the role of this variant in disease conclusively. Therefore, this variant is classified as a Variant of Uncertain Significance.

NM_002474.3(MYH11):c.77C>G (p.Ala26Gly)

Gene: MYH11 (myosin heavy chain 11; minus strand). Cytogenetic location: 16p13.11.
Variant type: single nucleotide variant.
Coding change: c.77C>G on transcript NM_002474.3 (MANE Select); coding-DNA position 77, C replaced by G.
Protein change: p.Ala26Gly; replaces alanine 26 with glycine.
Molecular consequence: missense variant.
Genome position (GRCh38, 1-based): chr16:15,838,176, G>C on the plus strand (C>G on the coding strand, the complement: MYH11 is on the minus strand). VCF-style: chr16-15838176-G-C. GRCh37 (hg19) VCF-style: chr16-15932033-G-C.
Other names: c.77C>G, p.Ala26Gly (NM_001040114.2, NM_022844.3, NM_001040113.2); short protein forms A26G.
Identifiers: ClinVar variation 3072214 (VCV003072214.2), dbSNP rs767457782, ClinGen allele CA395198788.